The following is an entry in ClinVar:

ClinVar aggregate classification (germline): Likely pathogenic. Review status: criteria provided, multiple submitters, no conflicts (2 of 4 stars). 3 submissions from 3 submitters: Likely pathogenic (2). 1 of the submissions does not count toward it. Last evaluated 2024-11-06.

Conditions:
Cockayne syndrome. Identifiers: Orphanet 191, MedGen C0009207, MONDO:0016006.
DE SANCTIS-CACCHIONE SYNDROME. Identifiers: MedGen C0265201, MONDO:0010217, OMIM 278800.
Cockayne syndrome type 2 (CSB). Also called: Cockayne Syndrome, Type II; COCKAYNE SYNDROME B. Identifiers: Orphanet 191, Orphanet 90322, MedGen C0751038, MONDO:0019570, OMIM 133540.
Cerebrooculofacioskeletal syndrome 1 (COFS1). Also called: Cerebro-oculo-facio-skeletal syndrome 1. Identifiers: MedGen C0220722, MONDO:0008955, OMIM 214150.

Allele frequency attached by ClinVar (database versions not stated): TOPMed 0.00001.

Submissions (3):

Women's Health and Genetics/Laboratory Corporation of America, LabCorp
Classification: Likely pathogenic for Cockayne syndrome. Last evaluated: 2024-11-06. Review status: criteria provided, single submitter. Criteria: LabCorp Variant Classification Summary - May 2015. Collection method: clinical testing. Allele origin: germline.
Comment: Variant summary: ERCC6 c.2169+1G>A is located in a canonical splice-site and is predicted to affect mRNA splicing resulting in a significantly altered protein due to either exon skipping, shortening, or inclusion of intronic material. Variants that disrupt the consensus splice site are a relatively common cause of aberrant splicing and loss of ERCC6 function. Several computational tools predict a significant impact on normal splicing: Four predict the variant abolishes a 5' splicing donor site. However, these predictions have yet to be confirmed by functional studies. The variant was absent in 251352 control chromosomes. c.2169+1G>A has been reported in the literature in an individual without clinical features described in the publication (Kim_2020). These report(s) do not provide unequivocal conclusions about association of the variant with Cockayne Syndrome. To our knowledge, no experimental evidence demonstrating an impact on protein function has been reported. The following publication have been ascertained in the context of this evaluation (PMID: 32868804). ClinVar contains an entry for this variant (Variation ID: 554803). Based on the evidence outlined above, the variant was classified as likely pathogenic.

Labcorp Genetics (formerly Invitae), Labcorp
Classification: Likely pathogenic. Last evaluated: 2022-11-23. Review status: criteria provided, single submitter. Criteria: Invitae Variant Classification Sherloc (09022015). Collection method: clinical testing. Allele origin: germline.
Comment: In summary, the currently available evidence indicates that the variant is pathogenic, but additional data are needed to prove that conclusively. Therefore, this variant has been classified as Likely Pathogenic. Algorithms developed to predict the effect of sequence changes on RNA splicing suggest that this variant may disrupt the consensus splice site. ClinVar contains an entry for this variant (Variation ID: 554803). This variant has not been reported in the literature in individuals affected with ERCC6-related conditions. This variant is not present in population databases (gnomAD no frequency). This sequence change affects a donor splice site in intron 10 of the ERCC6 gene. It is expected to disrupt RNA splicing. Variants that disrupt the donor or acceptor splice site typically lead to a loss of protein function (PMID: 16199547), and loss-of-function variants in ERCC6 are known to be pathogenic (PMID: 18628313, 29572252).

Counsyl
Classification: Likely pathogenic for Cockayne syndrome type 2; Cerebrooculofacioskeletal syndrome 1; DE SANCTIS-CACCHIONE SYNDROME. Last evaluated: 2017-11-03. Review status: no assertion criteria provided. Collection method: clinical testing. Allele origin: unknown. Not counted in ClinVar's aggregate classification.

Literature cited by the submitters: PubMed 32868804 (cited by Women's Health and Genetics/Laboratory Corporation of America, LabCorp); PubMed 16199547 (cited by Labcorp Genetics (formerly Invitae), Labcorp); PubMed 18628313 (cited by Labcorp Genetics (formerly Invitae), Labcorp); PubMed 29572252 (cited by Labcorp Genetics (formerly Invitae), Labcorp).

NM_000124.4(ERCC6):c.2169+1G>A

Gene: ERCC6 (ERCC excision repair 6, chromatin remodeling factor; minus strand). Cytogenetic location: 10q11.23.
Variant type: single nucleotide variant.
Coding change: c.2169+1G>A on transcript NM_000124.4 (MANE Select); the canonical splice donor site of the intron after coding-DNA position 2169, G replaced by A.
Molecular consequence: splice donor variant.
Genome position (GRCh38, 1-based): chr10:49,482,686, C>T on the plus strand (G>A on the coding strand, the complement: ERCC6 is on the minus strand). VCF-style: chr10-49482686-C-T. GRCh37 (hg19) VCF-style: chr10-50690732-C-T.
Other names: c.2169+1G>A (NM_001346440.2).
Identifiers: ClinVar variation 554803 (VCV000554803.6), dbSNP rs1441655600, ClinGen allele CA376724119.